The following is an entry in ClinVar:

NM_014140.4(SMARCAL1):c.429_430insTGATTTA (p.Gly144Ter)

Gene: SMARCAL1 (SNF2 related chromatin remodeling annealing helicase 1; plus strand). Cytogenetic location: 2q35.
Variant type: Insertion.
Coding change: c.429_430insTGATTTA on transcript NM_014140.4 (MANE Select); coding-DNA positions 429 to 430, TGATTTA inserted.
Protein change: p.Gly144Ter; replaces glycine 144 with a stop codon.
Molecular consequence: nonsense.
Genome position: GRCh38 VCF-style: chr2-216415130-G-GTTATGAT. GRCh37 (hg19) VCF-style: chr2-217279853-G-GTTATGAT.
Other names: c.429_430insTGATTTA, p.Gly144Ter (NM_001127207.2); short protein forms G144*.
Identifiers: ClinVar variation 2124343 (VCV002124343.4), dbSNP rs2469611287, ClinGen allele CA2580065734.
Genomic context (GRCh38, chr2:216,415,130, plus strand): 5'-CTCTCCTCCCTTGGCACAAAGTCCTCCAGAGGTCCCTAAACAACAGCTCTTGAGTTATGA[G>GTTATGAT]TTAGGTCAAGGTCATGCTCAGGCTTCACCTGAGATCAGGTTCACACCCTTTGCTAACCCA-3'

ClinVar aggregate classification (germline): Pathogenic (1 of 4 stars; one submission).

Conditions:
Schimke immuno-osseous dysplasia (SIOD). Also called: Schimke Immunoosseous Dysplasia. Identifiers: Orphanet 1830, MedGen C0877024, MONDO:0009458, OMIM 242900.

Submission:

Labcorp Genetics (formerly Invitae), Labcorp
Classification: Pathogenic for Schimke immuno-osseous dysplasia. Last evaluated: 2022-04-10. Review status: criteria provided, single submitter. Criteria: Invitae Variant Classification Sherloc (09022015). Collection method: clinical testing. Allele origin: germline.
Comment: This variant is not present in population databases (gnomAD no frequency). For these reasons, this variant has been classified as Pathogenic. This variant has not been reported in the literature in individuals affected with SMARCAL1-related conditions. This sequence change creates a premature translational stop signal (p.Gly144*) in the SMARCAL1 gene. It is expected to result in an absent or disrupted protein product. Loss-of-function variants in SMARCAL1 are known to be pathogenic (PMID: 11799392, 20301550).

Literature cited by the submitters: PubMed 11799392; PubMed 20301550.